The following is an entry in ClinVar:

ClinVar aggregate classification (germline): Conflicting classifications of pathogenicity. Review status: criteria provided, conflicting classifications (1 of 4 stars). 4 submissions from 4 submitters: Uncertain significance (1); Likely benign (2). 1 of the submissions does not count toward it. Last evaluated 2026-07-01.

Conditions:
NIPBL-related disorder. Also called: NIPBL-related condition.
Cornelia de Lange syndrome 1 (CDLS1). Also called: TYPUS DEGENERATIVUS AMSTELODAMENSIS; Brachmann de Lange syndrome; NIPBL-Related Cornelia de Lange Syndrome. Identifiers: Orphanet 199, MedGen C4551851, MONDO:0007387, OMIM 122470.

Allele frequency attached by ClinVar (database versions not stated): gnomAD exomes 0.00002 and 0.00011; ExAC 0.00013; ESP Exome Variant Server 0.00031; gnomAD 0.00041 and 0.00043; TOPMed 0.00048; 1000 Genomes Project 30x 0.00078; 1000 Genomes Project 0.00080.
gnomAD v4.1: 98 of 1,614,184 alleles (0.0061%); highest among the groups gnomAD compares: African/African-American, 0.12%; no homozygotes.

Submissions (4):

CeGaT Center for Human Genetics Tuebingen
Classification: Likely benign. Last evaluated: 2026-07-01. Review status: criteria provided, single submitter. Criteria: CeGaT Center For Human Genetics Tuebingen Variant Classification Criteria Version 2. Collection method: clinical testing. Allele origin: germline. Affected: yes. Observed: 1 variant allele.
Comment: NIPBL: PP2, BS1

Labcorp Genetics (formerly Invitae), Labcorp
Classification: Likely benign for Cornelia de Lange syndrome 1. Last evaluated: 2025-10-10. Review status: criteria provided, single submitter. Criteria: Invitae Variant Classification Sherloc (09022015). Collection method: clinical testing. Allele origin: germline.

Blueprint Genetics
Classification: Uncertain significance. Last evaluated: 2021-01-18. Review status: criteria provided, single submitter. Criteria: ACMG Guidelines, 2015. Collection method: clinical testing. Allele origin: germline.

PreventionGenetics, part of Exact Sciences
Classification: Likely benign for NIPBL-related condition. Last evaluated: 2022-03-28. Review status: no assertion criteria provided. Collection method: clinical testing. Allele origin: germline. Not counted in ClinVar's aggregate classification.
Comment: This variant is classified as likely benign based on ACMG/AMP sequence variant interpretation guidelines (Richards et al. 2015 PMID: 25741868, with internal and published modifications).

NM_133433.4(NIPBL):c.7807A>T (p.Asn2603Tyr)

Gene: NIPBL (NIPBL cohesin loading factor; plus strand). Cytogenetic location: 5p13.2.
Variant type: single nucleotide variant.
Coding change: c.7807A>T on transcript NM_133433.4 (MANE Select); coding-DNA position 7807, A replaced by T.
Protein change: p.Asn2603Tyr; replaces asparagine 2603 with tyrosine.
Molecular consequence: missense variant.
Genome position (GRCh38, 1-based): chr5:37,060,965, A>T. VCF-style: chr5-37060965-A-T. GRCh37 (hg19) VCF-style: chr5-37061067-A-T.
Other names: c.7807A>T, p.Asn2603Tyr (NM_015384.5); short protein forms N2603Y.
Identifiers: ClinVar variation 772570 (VCV000772570.10), dbSNP rs138514909, ClinGen allele CA3237272.